The following is an entry in ClinVar:

NM_004415.4(DSP):c.5749C>G (p.Leu1917Val)

Gene: DSP (desmoplakin; plus strand). Cytogenetic location: 6p24.3.
Variant type: single nucleotide variant.
Coding change: c.5749C>G on transcript NM_004415.4 (MANE Select); coding-DNA position 5749, C replaced by G.
Protein change: p.Leu1917Val; replaces leucine 1917 with valine.
Molecular consequence: missense variant.
Genome position (GRCh38, 1-based): chr6:7,583,011, C>G. VCF-style: chr6-7583011-C-G. GRCh37 (hg19) VCF-style: chr6-7583244-C-G.
Other names: c.3952C>G, p.Leu1318Val (NM_001008844.3); c.4420C>G, p.Leu1474Val (NM_001319034.2); short protein forms L1474V, L1318V, L1917V.
Identifiers: ClinVar variation 1749419 (VCV001749419.2), dbSNP rs936938713, ClinGen allele CA133972258.

ClinVar aggregate classification (germline): Uncertain significance (1 of 4 stars; one submission).

Conditions:
Cardiovascular phenotype. Identifiers: MedGen CN230736.

gnomAD v4.1: 1 of 1,613,962 alleles (0.000062%); highest among the groups gnomAD compares: African/African-American, 0.0013%; no homozygotes.

Submission:

Ambry Genetics
Classification: Uncertain significance for Cardiovascular phenotype. Last evaluated: 2022-07-29. Review status: criteria provided, single submitter. Criteria: Ambry Variant Classification Scheme 2023. Collection method: clinical testing. Allele origin: germline.
Comment: The p.L1917V variant (also known as c.5749C>G), located in coding exon 24 of the DSP gene, results from a C to G substitution at nucleotide position 5749. The leucine at codon 1917 is replaced by valine, an amino acid with highly similar properties. This amino acid position is conserved. In addition, this alteration is predicted to be tolerated by in silico analysis. Since supporting evidence is limited at this time, the clinical significance of this alteration remains unclear.